The following is an entry in ClinVar:

NM_006329.4(FBLN5):c.16A>T (p.Arg6Trp)

Gene: FBLN5 (fibulin 5; minus strand). Cytogenetic location: 14q32.12.
Variant type: single nucleotide variant.
Coding change: c.16A>T on transcript NM_006329.4 (MANE Select); coding-DNA position 16, A replaced by T.
Protein change: p.Arg6Trp; replaces arginine 6 with tryptophan.
Molecular consequence: missense variant. On other transcripts: 5 prime UTR variant (2).
Genome position (GRCh38, 1-based): chr14:91,947,214, T>A on the plus strand (A>T on the coding strand, the complement: FBLN5 is on the minus strand). VCF-style: chr14-91947214-T-A. GRCh37 (hg19) VCF-style: chr14-92413558-T-A.
Other names: c.16A>T, p.Arg6Trp (NM_001384158.1, NM_001384160.1); c.-254A>T (NM_001384161.1, NM_001384162.1); short protein forms R6W.
Identifiers: ClinVar variation 1392092 (VCV001392092.8), dbSNP rs375848960, ClinGen allele CA7312999.

ClinVar aggregate classification (germline): Uncertain significance (1 of 4 stars; one submission).

Allele frequency attached by ClinVar (database versions not stated): gnomAD exomes below 0.00001; ExAC 0.00001; gnomAD 0.00001; TOPMed 0.00001; ESP Exome Variant Server 0.00008.

Submission:

Labcorp Genetics (formerly Invitae), Labcorp
Classification: Uncertain significance. Last evaluated: 2025-01-15. Review status: criteria provided, single submitter. Criteria: Invitae Variant Classification Sherloc (09022015). Collection method: clinical testing. Allele origin: germline.
Comment: This sequence change replaces arginine, which is basic and polar, with tryptophan, which is neutral and slightly polar, at codon 6 of the FBLN5 protein (p.Arg6Trp). This variant is not present in population databases (gnomAD no frequency). This variant has not been reported in the literature in individuals affected with FBLN5-related conditions. ClinVar contains an entry for this variant (Variation ID: 1392092). An algorithm developed to predict the effect of missense changes on protein structure and function (PolyPhen-2) suggests that this variant is likely to be disruptive. Algorithms developed to predict the effect of sequence changes on RNA splicing suggest that this variant may disrupt the consensus splice site. In summary, the available evidence is currently insufficient to determine the role of this variant in disease. Therefore, it has been classified as a Variant of Uncertain Significance.